The following is an entry in ClinVar:

ClinVar aggregate classification (germline): Uncertain significance (1 of 4 stars; one submission).

Submission:

Labcorp Genetics (formerly Invitae), Labcorp
Classification: Uncertain significance. Last evaluated: 2021-08-24. Review status: criteria provided, single submitter. Criteria: Invitae Variant Classification Sherloc (09022015). Collection method: clinical testing. Allele origin: germline.
Comment: This sequence change replaces proline with alanine at codon 2588 of the SZT2 protein (p.Pro2588Ala). The proline residue is highly conserved and there is a small physicochemical difference between proline and alanine. This variant is not present in population databases (ExAC no frequency). This variant has not been reported in the literature in individuals affected with SZT2-related conditions. Algorithms developed to predict the effect of missense changes on protein structure and function (SIFT, PolyPhen-2, Align-GVGD) all suggest that this variant is likely to be disruptive. In summary, the available evidence is currently insufficient to determine the role of this variant in disease. Therefore, it has been classified as a Variant of Uncertain Significance.

NM_001365999.1(SZT2):c.7933C>G (p.Pro2645Ala)

Gene: SZT2 (SZT2 subunit of KICSTOR complex; plus strand). Cytogenetic location: 1p34.2.
Variant type: single nucleotide variant.
Coding change: c.7933C>G on transcript NM_001365999.1 (MANE Select); coding-DNA position 7933, C replaced by G.
Protein change: p.Pro2645Ala; replaces proline 2645 with alanine.
Molecular consequence: missense variant.
Genome position (GRCh38, 1-based): chr1:43,442,327, C>G. VCF-style: chr1-43442327-C-G. GRCh37 (hg19) VCF-style: chr1-43907998-C-G.
Other names: c.7762C>G, p.Pro2588Ala (NM_015284.4); short protein forms P2645A, P2588A.
Identifiers: ClinVar variation 1398638 (VCV001398638.5), dbSNP rs760662555, ClinGen allele CA340037159.